The following is an entry in ClinVar:

NM_024503.5(HIVEP3):c.6814G>A (p.Gly2272Arg)

Gene: HIVEP3 (HIVEP zinc finger 3; minus strand). Cytogenetic location: 1p34.2.
Variant type: single nucleotide variant.
Coding change: c.6814G>A on transcript NM_024503.5 (MANE Select); coding-DNA position 6814, G replaced by A.
Protein change: p.Gly2272Arg; replaces glycine 2272 with arginine.
Molecular consequence: missense variant.
Genome position (GRCh38, 1-based): chr1:41,510,858, C>T on the plus strand (G>A on the coding strand, the complement: HIVEP3 is on the minus strand). VCF-style: chr1-41510858-C-T. GRCh37 (hg19) VCF-style: chr1-41976529-C-T.
Other names: c.6811G>A, p.Gly2271Arg (NM_001127714.3); short protein forms G2272R, G2271R.
Identifiers: ClinVar variation 402942 (VCV000402942.7), dbSNP rs11809423, ClinGen allele CA797096.

ClinVar aggregate classification (germline): Benign. Review status: criteria provided, multiple submitters, no conflicts (2 of 4 stars). 3 submissions from 3 submitters: Benign (2). 1 of the submissions does not count toward it. Last evaluated 2016-03-29.

Conditions:
HIVEP3-related disorder. Also called: HIVEP3-related condition.

Allele frequency attached by ClinVar (database versions not stated): TOPMed 0.09272; ESP Exome Variant Server 0.09835; 1000 Genomes Project 0.10024; 1000 Genomes Project 30x 0.10400.
gnomAD v4.1: 81,617 of 1,613,218 alleles (5.1%); highest among the groups gnomAD compares: African/African-American, 21%; 3,544 homozygotes.

Submissions (3):

Laboratory for Molecular Medicine, Mass General Brigham Personalized Medicine
Classification: Benign. Last evaluated: 2016-03-29. Review status: criteria provided, single submitter. Criteria: LMM Criteria. Collection method: clinical testing. Allele origin: germline.
Comment: Variant identified in a genome or exome case(s) and assessed due to predicted null impact of the variant or pathogenic assertions in the literature or databases. Disclaimer: This variant has not undergone full assessment. The following are preliminary notes: MAF

Breakthrough Genomics
Classification: Benign. Review status: criteria provided, single submitter. Criteria: ACMG Guidelines, 2015. Collection method: not provided. Allele origin: germline. Inheritance: Unknown mechanism. Affected: yes.

PreventionGenetics, part of Exact Sciences
Classification: Benign for HIVEP3-related condition. Last evaluated: 2021-07-13. Review status: no assertion criteria provided. Collection method: clinical testing. Allele origin: germline. Not counted in ClinVar's aggregate classification.
Comment: This variant is classified as benign based on ACMG/AMP sequence variant interpretation guidelines (Richards et al. 2015 PMID: 25741868, with internal and published modifications).